The following is an entry in ClinVar:

NM_001478.5(B4GALNT1):c.357G>T (p.Glu119Asp)

Gene: B4GALNT1 (beta-1,4-N-acetyl-galactosaminyltransferase 1; minus strand). Cytogenetic location: 12q13.3.
Variant type: single nucleotide variant.
Coding change: c.357G>T on transcript NM_001478.5 (MANE Select); coding-DNA position 357, G replaced by T.
Protein change: p.Glu119Asp; replaces glutamic acid 119 with aspartic acid.
Molecular consequence: missense variant. On other transcripts: intron variant (1).
Genome position (GRCh38, 1-based): chr12:57,631,226, C>A on the plus strand (G>T on the coding strand, the complement: B4GALNT1 is on the minus strand). VCF-style: chr12-57631226-C-A. GRCh37 (hg19) VCF-style: chr12-58025009-C-A.
Other names: c.357G>T, p.Glu119Asp (NM_001276469.2, NM_001413967.1, NM_001413968.1 and 9 more transcripts); c.-631G>T (NM_001413981.1, NM_001413982.1, NM_001413983.1 and 1 more transcripts); c.219-140G>T (NM_001276468.2); short protein forms E119D.
Identifiers: ClinVar variation 2185702 (VCV002185702.4), dbSNP rs754298394, ClinGen allele CA6655819.
Genomic context (GRCh38, chr12:57,631,226, plus strand): 5'-CCTGAGGAGTCATGCGCTTCTTTCAAGCTGGTACCTCGACAGAAAGGCCTGGAACTCCTG[C>A]TCTCTTGTGGCAGAGGCAGCCCTCAGCTCTGCAGGGTCAAAGGCCTTGGTGAGGTCAATA-3'
Protein context (NP_001469.1, residues 109-129): AELRAASATR[Glu119Asp]QEFQAFLSRS

ClinVar aggregate classification (germline): Uncertain significance (1 of 4 stars; one submission).

Conditions:
Spastic paraplegia. Identifiers: MedGen C0037772, HP:0001258.

Allele frequency attached by ClinVar (database versions not stated): gnomAD exomes below 0.00001; ExAC 0.00001.

Submission:

Labcorp Genetics (formerly Invitae), Labcorp
Classification: Uncertain significance for Spastic paraplegia. Last evaluated: 2023-03-11. Review status: criteria provided, single submitter. Criteria: Invitae Variant Classification Sherloc (09022015). Collection method: clinical testing. Allele origin: germline.
Comment: This variant is present in population databases (rs754298394, gnomAD 0.0009%). This sequence change replaces glutamic acid, which is acidic and polar, with aspartic acid, which is acidic and polar, at codon 119 of the B4GALNT1 protein (p.Glu119Asp). This variant has not been reported in the literature in individuals affected with B4GALNT1-related conditions. In summary, the available evidence is currently insufficient to determine the role of this variant in disease. Therefore, it has been classified as a Variant of Uncertain Significance. Advanced modeling of protein sequence and biophysical properties (such as structural, functional, and spatial information, amino acid conservation, physicochemical variation, residue mobility, and thermodynamic stability) performed at Invitae indicates that this missense variant is not expected to disrupt B4GALNT1 protein function. ClinVar contains an entry for this variant (Variation ID: 2185702).